The following is an entry in ClinVar:

ClinVar aggregate classification (germline): Likely benign (1 of 4 stars; one submission).

Allele frequency attached by ClinVar (database versions not stated): TOPMed below 0.00001; ExAC 0.00009.
gnomAD v4.1: 71 of 1,607,924 alleles (0.0044%); highest among the groups gnomAD compares: South Asian, 0.075%; no homozygotes.

Submission:

CeGaT Center for Human Genetics Tuebingen
Classification: Likely benign. Last evaluated: 2023-10-01. Review status: criteria provided, single submitter. Criteria: CeGaT Center For Human Genetics Tuebingen Variant Classification Criteria Version 2. Collection method: clinical testing. Allele origin: germline. Affected: yes. Observed: 1 variant allele.
Comment: TNRC6B: BP4, BP7

NM_001162501.2(TNRC6B):c.504T>C (p.Thr168=)

Gene: TNRC6B (trinucleotide repeat containing adaptor 6B; plus strand). Cytogenetic location: 22q13.1.
Variant type: single nucleotide variant.
Coding change: c.504T>C on transcript NM_001162501.2 (MANE Select); coding-DNA position 504, T replaced by C.
Protein change: p.Thr168=; no amino-acid change (threonine 168 retained).
Molecular consequence: synonymous variant. On other transcripts: intron variant (1).
Genome position (GRCh38, 1-based): chr22:40,264,734, T>C. VCF-style: chr22-40264734-T-C. GRCh37 (hg19) VCF-style: chr22-40660738-T-C.
Other names: c.504T>C, p.Thr168= (NM_015088.3); c.565+2561T>C (NM_001024843.2).
Identifiers: ClinVar variation 2653171 (VCV002653171.24), dbSNP rs769449771, ClinGen allele CA10246529.
Genomic context (GRCh38, chr22:40,264,734, plus strand): 5'-GATCTGTTCCCCAGACTCAACCCTTGGAGGTGCTGCTGCTTCAAATTATGCAAATTCCAC[T>C]TGGGGCTCGGGAGCCTCCTCCAACAACGGCACCTCCCCCAACCCAATTCACATCTGGGAC-3'
Protein context (NP_001155973.1, residues 158-178): GAAASNYANS[Thr168=]WGSGASSNNG